The following is an entry in ClinVar:

NM_014679.5(CEP57):c.69G>T (p.Arg23Ser)

Gene: CEP57 (centrosomal protein 57; plus strand). Cytogenetic location: 11q21.
Variant type: single nucleotide variant.
Coding change: c.69G>T on transcript NM_014679.5 (MANE Select); coding-DNA position 69, G replaced by T.
Protein change: p.Arg23Ser; replaces arginine 23 with serine.
Molecular consequence: missense variant. On other transcripts: 5 prime UTR variant (1).
Genome position (GRCh38, 1-based): chr11:95,799,255, G>T. VCF-style: chr11-95799255-G-T. GRCh37 (hg19) VCF-style: chr11-95532419-G-T.
Other names: c.42G>T, p.Arg14Ser (NM_001243776.2); c.69G>T, p.Arg23Ser (NM_001243777.2); c.-13G>T (NM_001363604.2); c.69G>T (NM_014679.4); short protein forms R14S, R23S.
Identifiers: ClinVar variation 2068630 (VCV002068630.5), dbSNP rs2496120202, ClinGen allele CA382415459.
Genomic context (GRCh38, chr11:95,799,255, plus strand): 5'-ACACTTTTGAAAGGTAATTTGTGTCTTTATTTTTTAGAACAGCTTTGCTGAGCCATCAAG[G>T]TCTAATGGAAGCATGGTTCGGCATTCTTCATCTCCATATGTAGTATATCCTTCGGATAAG-3'
Protein context (NP_055494.2, residues 13-33): HLSNSFAEPS[Arg23Ser]SNGSMVRHSS

ClinVar aggregate classification (germline): Uncertain significance. Review status: criteria provided, multiple submitters, no conflicts (2 of 4 stars). 2 submissions from 2 submitters: Uncertain significance (2). Last evaluated 2025-03-22.

Conditions:
Inborn genetic diseases. Identifiers: MedGen C0950123, MeSH D030342.
Mosaic variegated aneuploidy syndrome 2 (MVA2). Identifiers: Orphanet 1052, MedGen C3279843, MONDO:0013582, OMIM 614114.

Allele frequency attached by ClinVar (database versions not stated): gnomAD exomes 0.00001.
gnomAD v4.1: 9 of 1,614,070 alleles (0.00056%); highest among the groups gnomAD compares: East Asian, 0.0067%; no homozygotes.

Submissions (2):

Ambry Genetics
Classification: Uncertain significance for Inborn genetic diseases. Last evaluated: 2025-03-22. Review status: criteria provided, single submitter. Criteria: Ambry Variant Classification Scheme 2023. Collection method: clinical testing. Allele origin: germline.
Comment: The p.R23S variant (also known as c.69G>T), located in coding exon 2 of the CEP57 gene, results from a G to T substitution at nucleotide position 69. The arginine at codon 23 is replaced by serine, an amino acid with dissimilar properties. This amino acid position is conserved. In addition, this alteration is predicted to be tolerated by in silico analysis. Based on the available evidence, the clinical significance of this variant remains unclear.

Labcorp Genetics (formerly Invitae), Labcorp
Classification: Uncertain significance for Mosaic variegated aneuploidy syndrome 2. Last evaluated: 2024-02-05. Review status: criteria provided, single submitter. Criteria: Invitae Variant Classification Sherloc (09022015). Collection method: clinical testing. Allele origin: germline.
Comment: This sequence change replaces arginine, which is basic and polar, with serine, which is neutral and polar, at codon 23 of the CEP57 protein (p.Arg23Ser). This variant is not present in population databases (gnomAD no frequency). This variant has not been reported in the literature in individuals affected with CEP57-related conditions. ClinVar contains an entry for this variant (Variation ID: 2068630). An algorithm developed to predict the effect of missense changes on protein structure and function (PolyPhen-2) suggests that this variant is likely to be tolerated. In summary, the available evidence is currently insufficient to determine the role of this variant in disease. Therefore, it has been classified as a Variant of Uncertain Significance.